The following is an entry in ClinVar:

NM_004168.4(SDHA):c.*249T>C

Gene: SDHA (succinate dehydrogenase complex flavoprotein subunit A; plus strand). Cytogenetic location: 5p15.33.
Variant type: single nucleotide variant.
Coding change: c.*249T>C on transcript NM_004168.4 (MANE Select); 249 bases downstream of the stop codon, T replaced by C.
Molecular consequence: 3 prime UTR variant.
Genome position (GRCh38, 1-based): chr5:256,669, T>C. VCF-style: chr5-256669-T-C. GRCh37 (hg19) VCF-style: chr5-256784-T-C.
Other names: c.*249T>C (NM_001294332.2, NM_001330758.2).
Identifiers: ClinVar variation 905347 (VCV000905347.4), dbSNP rs189989110, ClinGen allele CA112784663.

ClinVar aggregate classification (germline): Conflicting classifications of pathogenicity. Review status: criteria provided, conflicting classifications (1 of 4 stars). 3 submissions from 1 submitter: Uncertain significance (1); Benign (2). Last evaluated 2017-04-27.

Conditions:
Hereditary pheochromocytoma and paraganglioma. Also called: Hereditary pheochromocytoma-paraganglioma; Hereditary Paraganglioma-Pheochromocytoma Syndromes; Hereditary paragangliomas and pheochromocytomas. Identifiers: Orphanet 29072, MedGen C4274332, MONDO:0017366.
Leigh syndrome (NULS). Also called: Leigh's necrotizing encephalopathy; Leigh's disease; Leigh Syndrome (mtDNA deletion); Leigh Disease; Subacute necrotizing encephalopathy; Necrotizing encephalopathy infantile subacute of Leigh. Identifiers: Orphanet 506, MedGen C2931891, MONDO:0009723, OMIM 256000.
Mitochondrial complex II deficiency, nuclear type 1. Also called: SUCCINATE CoQ REDUCTASE DEFICIENCY. Identifiers: Orphanet 3208, MedGen C5700310, MONDO:0100294, OMIM 252011.

Allele frequency attached by ClinVar (database versions not stated): 1000 Genomes Project 0.00260; 1000 Genomes Project 30x 0.00281; TOPMed 0.00448; gnomAD 0.00452 and 0.00459; gnomAD exomes 0.00541.
gnomAD v4.1: 2,497 of 490,508 alleles (0.51%); highest among the groups gnomAD compares: Non-Finnish European, 0.77%; 21 homozygotes.

Submissions (3):

Illumina Laboratory Services, Illumina
Classification: Benign for Hereditary Paraganglioma-Pheochromocytoma Syndromes. Last evaluated: 2017-04-27. Review status: criteria provided, single submitter. Criteria: ICSL Variant Classification Criteria 13 December 2019. Collection method: clinical testing. Allele origin: germline.
Comment: This variant was observed as part of a predisposition screen in an ostensibly healthy population. A literature search was performed for the gene, cDNA change, and amino acid change (where applicable). No publications were found based on this search. Allele frequency data from public databases was too high to be consistent with this variant causing disease. Therefore, this variant is classified as benign.

Illumina Laboratory Services, Illumina
Classification: Uncertain significance for Mitochondrial complex II deficiency, nuclear type 1. Last evaluated: 2017-04-27. Review status: criteria provided, single submitter. Criteria: ICSL Variant Classification Criteria 13 December 2019. Collection method: clinical testing. Allele origin: germline.

Illumina Laboratory Services, Illumina
Classification: Benign for Leigh syndrome. Last evaluated: 2017-04-27. Review status: criteria provided, single submitter. Criteria: ICSL Variant Classification Criteria 13 December 2019. Collection method: clinical testing. Allele origin: germline.
Comment: the same text as in the submission from Illumina Laboratory Services, Illumina above.